The following is an entry in ClinVar:

NM_003136.4(SRP54):c.923A>G (p.Asn308Ser)

Gene: SRP54 (signal recognition particle 54; plus strand). Cytogenetic location: 14q13.2.
Variant type: single nucleotide variant.
Coding change: c.923A>G on transcript NM_003136.4 (MANE Select); coding-DNA position 923, A replaced by G.
Protein change: p.Asn308Ser; replaces asparagine 308 with serine.
Molecular consequence: missense variant.
Genome position (GRCh38, 1-based): chr14:35,014,780, A>G. VCF-style: chr14-35014780-A-G. GRCh37 (hg19) VCF-style: chr14-35483986-A-G.
Other names: c.776A>G, p.Asn259Ser (NM_001146282.2); c.923A>G, p.Asn308Ser (NM_001411017.1, NM_001440813.1); short protein forms N308S, N259S.
Identifiers: ClinVar variation 4745151 (VCV004745151.1).

ClinVar aggregate classification (germline): Uncertain significance (1 of 4 stars; one submission).

gnomAD v4.1: 1 of 1,614,006 alleles (0.000062%); highest among the groups gnomAD compares: Non-Finnish European, 0.000085%; no homozygotes.

Submission:

Labcorp Genetics (formerly Invitae), Labcorp
Classification: Uncertain significance. Last evaluated: 2025-12-01. Review status: criteria provided, single submitter. Criteria: Invitae Variant Classification Sherloc (09022015). Collection method: clinical testing. Allele origin: germline.
Comment: This sequence change replaces asparagine, which is neutral and polar, with serine, which is neutral and polar, at codon 308 of the SRP54 protein (p.Asn308Ser). This variant is not present in population databases (gnomAD no frequency). This variant has not been reported in the literature in individuals affected with SRP54-related conditions. Invitae Evidence Modeling of protein sequence and biophysical properties (such as structural, functional, and spatial information, amino acid conservation, physicochemical variation, residue mobility, and thermodynamic stability) indicates that this missense variant is not expected to disrupt SRP54 protein function with a negative predictive value of 80%. In summary, the available evidence is currently insufficient to determine the role of this variant in disease. Therefore, it has been classified as a Variant of Uncertain Significance.